The following is an entry in ClinVar:

ClinVar aggregate classification (germline): Pathogenic (1 of 4 stars; one submission).

Conditions:
Familial cancer of breast. Also called: Hereditary breast cancer; hereditary breast carcinoma; BREAST CANCER, FAMILIAL. Identifiers: Orphanet 227535, MedGen C0346153, MONDO:0016419, OMIM 114480. Disease mechanism: loss of function.

Submission:

Labcorp Genetics (formerly Invitae), Labcorp
Classification: Pathogenic for Familial cancer of breast. Last evaluated: 2025-07-21. Review status: criteria provided, single submitter. Criteria: Invitae Variant Classification Sherloc (09022015). Collection method: clinical testing. Allele origin: germline.
Comment: This sequence change inserts a large fragment of DNA, likely a transposable element, in exon 13 of the PALB2 gene (c.3501_3502ins?), causing a frameshift at codon 1167 (p.Thr1167fs). The exact size and sequence of the insertion cannot be determined by the current assay. However, the insertion is expected to result in an absent or disrupted protein product. This variant is not present in population databases (gnomAD no frequency). This variant has not been reported in the literature in individuals affected with PALB2-related conditions. ClinVar contains an entry for this variant (Variation ID: 1071843). Retrotransposon insertions including LINE1 (L1), Alu, and SVA (SINE-VNTR-Alu) have been reported to be disease-causing through disruption of either a coding region or splice site (PMID: 19763152, 20307669, 22406018) and loss-of-function variants in PALB2 are known to be pathogenic (PMID: 17200668, 17200671, 17200672, 24136930, 25099575). For these reasons, this variant has been classified as Pathogenic.

Literature cited by the submitters: PubMed 19763152; PubMed 20307669; PubMed 22406018; PubMed 17200668; PubMed 17200671; PubMed 17200672; PubMed 24136930; PubMed 25099575.

NM_024675.4(PALB2):c.3501_3502insTGGCCGGGCGCGGTGGCTCACGCCTGTAGTCCCAGCACTTTGGGAGGCCGAGGCGGGTGGATCATGAGGTCAGGAGATCGAGACCATCCTGGCTAACAAGGTGAAACCCCNNNNNNNNNNAAAAAAAAAAAAAAAAAAAAGAAATGGTCGGGTACA (p.Asp1168delinsTrpProGlyAlaValAlaHisAlaCysSerProSerThrLeuGlyGlyArgGlyGlyTrpIleMetArgSerGlyAspArgAspHisProGlyTer)

Gene: PALB2 (partner and localizer of BRCA2; minus strand). Cytogenetic location: 16p12.2.
Variant type: Insertion.
Coding change: c.3501_3502insTGGCCGGGCGCGGTGGCTCACGCCTGTAGTCCCAGCACTTTGGGAGGCCGAGGCGGGTGGATCATGAGGTCAGGAGATCGAGACCATCCTGGCTAACAAGGTGAAACCCCNNNNNNNNNNAAAAAAAAAAAAAAAAAAAAGAAATGGTCGGGTACA on transcript NM_024675.4 (MANE Select); coding-DNA positions 3501 to 3502, TGGCCGGGCGCGGTGGCTCACGCCTGTAGTCCCAGCACTTTGGGAGGCCGAGGCGGGTGGATCATGAGGTCAGGAGATCGAGACCATCCTGGCTAACAAGGTGAAACCCCNNNNNNNNNNAAAAAAAAAAAAAAAAAAAAGAAATGGTCGGGTACA inserted.
Protein change: p.Asp1168delinsTrpProGlyAlaValAlaHisAlaCysSerProSerThrLeuGlyGlyArgGlyGlyTrpIleMetArgSerGlyAspArgAspHisProGlyTer.
Molecular consequence: nonsense.
Genome position: GRCh38: chr16:23,603,534-23,603,535. GRCh37 (hg19): chr16:23,614,855-23,614,856.
Identifiers: ClinVar variation 1071843 (VCV001071843.8), dbSNP rs2142252136.